The following is an entry in ClinVar:

ClinVar aggregate classification (germline): Uncertain significance. Review status: criteria provided, multiple submitters, no conflicts (2 of 4 stars). 2 submissions from 2 submitters: Uncertain significance (2). Last evaluated 2024-11-26.

Conditions:
Autosomal recessive nonsyndromic hearing loss 18B. Also called: Deafness, autosomal recessive 18b. Identifiers: Orphanet 90636, MedGen C3554163, MONDO:0013985, OMIM 614945.

Allele frequency attached by ClinVar (database versions not stated): TOPMed 0.00012.
gnomAD v4.1: 527 of 1,550,838 alleles (0.034%); highest among the groups gnomAD compares: Non-Finnish European, 0.045%; no homozygotes.

Submissions (2):

Blueprint Genetics
Classification: Uncertain significance. Last evaluated: 2024-11-26. Review status: criteria provided, single submitter. Criteria: ACMG Guidelines, 2015. Collection method: clinical testing. Allele origin: germline.

Victorian Clinical Genetics Services, Murdoch Childrens Research Institute
Classification: Uncertain significance for Autosomal recessive nonsyndromic hearing loss 18B. Last evaluated: 2020-10-19. Review status: criteria provided, single submitter. Criteria: ACMG Guidelines, 2015. Collection method: clinical testing. Allele origin: germline. Inheritance: Autosomal recessive inheritance.
Comment: Based on the classification scheme VCGS_Germline_v1.1.1, this variant is classified as 3B-VUS. Following criteria are met: 0102 - Loss-of-function is a known mechanism of disease for this gene. (N) 0106 - This gene is known to be associated with autosomal recessive disease. (N) 0200 - Variant is predicted to result in a missense amino acid change from valine to alanine (exon 6). (N) 0251 - Variant is heterozygous. (N) 0304 - Variant is present in gnomAD (v3) <0.01 for a recessive condition (16 heterozygotes, 0 homozygotes). (P) 0309 - Alternative amino acid changes at the same position have been observed in gnomAD (1 heterozygote, 0 homozygotes). (N) 0502 - Missense variant with conflicting in silico predictions and/or uninformative conservation. (N) 0600 - Variant is located in an annotated domain or motif (VWD domain; NCBI, PDB). (N) 0705 - No comparable variants have previous evidence for pathogenicity. (N) 0807 - Variant has not previously been reported in a clinical context. (N) 0905 - No segregation evidence has been identified for this variant. (N) 1007 - No published functional evidence has been identified for this variant. (N) 1208 - Inheritance information for this variant is not currently available. (N) Legend: (P) - Pathogenic, (N) - Neutral, (B) - Benign

NM_001292063.2(OTOG):c.641T>C (p.Val214Ala)

Gene: OTOG (otogelin; plus strand). Cytogenetic location: 11p15.1.
Variant type: single nucleotide variant.
Coding change: c.641T>C on transcript NM_001292063.2 (MANE Select); coding-DNA position 641, T replaced by C.
Protein change: p.Val214Ala; replaces valine 214 with alanine.
Molecular consequence: missense variant.
Genome position (GRCh38, 1-based): chr11:17,555,879, T>C. VCF-style: chr11-17555879-T-C. GRCh37 (hg19) VCF-style: chr11-17577426-T-C.
Other names: c.677T>C, p.Val226Ala (NM_001277269.2); short protein forms V214A, V226A.
Identifiers: ClinVar variation 1805600 (VCV001805600.2), dbSNP rs757412506, ClinGen allele CA218492487.